The following is an entry in ClinVar:

ClinVar aggregate classification (germline): Uncertain significance. Review status: criteria provided, multiple submitters, no conflicts (2 of 4 stars). 2 submissions from 2 submitters: Uncertain significance (2). Last evaluated 2023-02-17.

Conditions:
Progressive familial heart block type IB (PFHB1B). Identifiers: Orphanet 871, MedGen C1970298, MONDO:0011474, OMIM 604559.

gnomAD v4.1: 3 of 1,614,154 alleles (0.00019%); highest among the groups gnomAD compares: Non-Finnish European, 0.00025%; no homozygotes.

Submissions (2):

GeneDx
Classification: Uncertain significance. Last evaluated: 2023-02-17. Review status: criteria provided, single submitter. Criteria: GeneDx Variant Classification Process June 2021. Collection method: clinical testing. Allele origin: germline. Affected: yes.
Comment: Not observed at significant frequency in large population cohorts (gnomAD); In silico analysis supports that this missense variant does not alter protein structure/function; Has not been previously published as pathogenic or benign to our knowledge

Labcorp Genetics (formerly Invitae), Labcorp
Classification: Uncertain significance for Progressive familial heart block type IB. Last evaluated: 2023-01-11. Review status: criteria provided, single submitter. Criteria: Invitae Variant Classification Sherloc (09022015). Collection method: clinical testing. Allele origin: germline.
Comment: This variant is not present in population databases (gnomAD no frequency). This variant has not been reported in the literature in individuals affected with TRPM4-related conditions. Algorithms developed to predict the effect of missense changes on protein structure and function (SIFT, PolyPhen-2, Align-GVGD) all suggest that this variant is likely to be tolerated. In summary, the available evidence is currently insufficient to determine the role of this variant in disease. Therefore, it has been classified as a Variant of Uncertain Significance. This sequence change replaces arginine, which is basic and polar, with histidine, which is basic and polar, at codon 601 of the TRPM4 protein (p.Arg601His).

NM_017636.4(TRPM4):c.1802G>A (p.Arg601His)

Gene: TRPM4 (transient receptor potential cation channel subfamily M member 4; plus strand). Cytogenetic location: 19q13.33.
Variant type: single nucleotide variant.
Coding change: c.1802G>A on transcript NM_017636.4 (MANE Select); coding-DNA position 1802, G replaced by A.
Protein change: p.Arg601His; replaces arginine 601 with histidine.
Molecular consequence: missense variant.
Genome position (GRCh38, 1-based): chr19:49,188,699, G>A. VCF-style: chr19-49188699-G-A. GRCh37 (hg19) VCF-style: chr19-49691956-G-A.
Other names: c.1802G>A, p.Arg601His (NM_001195227.2); c.1457G>A, p.Arg486His (NM_001321281.2); c.194G>A, p.Arg65His (NM_001321282.2); c.1280G>A, p.Arg427His (NM_001321283.2); c.740G>A, p.Arg247His (NM_001321285.2); short protein forms R247H, R427H, R486H, R601H, R65H.
Identifiers: ClinVar variation 2576702 (VCV002576702.4), dbSNP rs1406492047, ClinGen allele CA406802940.